The following is an entry in ClinVar:

ClinVar aggregate classification (germline): Uncertain significance (1 of 4 stars; one submission).

Submission:

Labcorp Genetics (formerly Invitae), Labcorp
Classification: Uncertain significance. Last evaluated: 2024-02-08. Review status: criteria provided, single submitter. Criteria: Invitae Variant Classification Sherloc (09022015). Collection method: clinical testing. Allele origin: germline.
Comment: This sequence change replaces glutamine, which is neutral and polar, with lysine, which is basic and polar, at codon 279 of the OTULIN protein (p.Gln279Lys). This variant is not present in population databases (gnomAD no frequency). This variant has not been reported in the literature in individuals affected with OTULIN-related conditions. Advanced modeling of protein sequence and biophysical properties (such as structural, functional, and spatial information, amino acid conservation, physicochemical variation, residue mobility, and thermodynamic stability) performed at Invitae indicates that this missense variant is not expected to disrupt OTULIN protein function with a negative predictive value of 80%. In summary, the available evidence is currently insufficient to determine the role of this variant in disease. Therefore, it has been classified as a Variant of Uncertain Significance.

NM_138348.6(OTULIN):c.835C>A (p.Gln279Lys)

Gene: OTULIN (OTU deubiquitinase with linear linkage specificity; plus strand). Cytogenetic location: 5p15.2.
Variant type: single nucleotide variant.
Coding change: c.835C>A on transcript NM_138348.6 (MANE Select); coding-DNA position 835, C replaced by A.
Protein change: p.Gln279Lys; replaces glutamine 279 with lysine.
Molecular consequence: missense variant.
Genome position (GRCh38, 1-based): chr5:14,690,279, C>A. VCF-style: chr5-14690279-C-A. GRCh37 (hg19) VCF-style: chr5-14690388-C-A.
Other names: short protein forms Q279K.
Identifiers: ClinVar variation 3639744 (VCV003639744.2).